The following is an entry in ClinVar:

ClinVar aggregate classification (germline): Likely pathogenic (1 of 4 stars; one submission).

Submission:

GeneDx
Classification: Likely pathogenic. Last evaluated: 2025-03-14. Review status: criteria provided, single submitter. Criteria: GeneDx Variant Classification Process June 2021. Collection method: clinical testing. Allele origin: germline. Affected: yes.
Comment: Frameshift variant predicted to result in protein truncation or nonsense mediated decay in a gene for which loss of function is a known mechanism of disease; Not observed at significant frequency in large population cohorts (gnomAD); Has not been previously published as pathogenic or benign to our knowledge

NM_004826.4(ECEL1):c.270_276dup (p.Gly93fs)

Gene: ECEL1 (endothelin converting enzyme like 1; minus strand). Cytogenetic location: 2q37.1.
Variant type: Duplication.
Coding change: c.270_276dup on transcript NM_004826.4 (MANE Select); coding-DNA positions 270 to 276, 7 bases duplicated (CGGCGGC; older notation c.270_276dupCGGCGGC).
Protein change: p.Gly93fs; shifts the reading frame from glycine 93.
Molecular consequence: frameshift variant.
Genome position (GRCh38, 1-based): chr2:232,486,378-232,486,384, GCCGCCG duplicated on the plus strand (CGGCGGC on the coding strand, the reverse complement: ECEL1 is on the minus strand); duplicating any 7 consecutive bases within chr2:232,486,378-232,486,389 gives the same sequence; the c. name uses the placement nearest the transcript's 3' end. VCF-style (leftmost placement, unchanged base first): chr2-232486377-C-CGCCGCCG. GRCh37 (hg19) VCF-style: chr2-233351087-C-CGCCGCCG.
Other names: c.270_276dup, p.Gly93fs (NM_001290787.2); short protein forms G93fs.
Identifiers: ClinVar variation 4083333 (VCV004083333.1).